The following is an entry in ClinVar:

NM_001040436.3(YARS2):c.546G>A (p.Leu182=)

Gene: YARS2 (tyrosyl-tRNA synthetase 2; minus strand). Cytogenetic location: 12p11.21.
Variant type: single nucleotide variant.
Coding change: c.546G>A on transcript NM_001040436.3 (MANE Select); coding-DNA position 546, G replaced by A.
Protein change: p.Leu182=; no amino-acid change (leucine 182 retained).
Molecular consequence: synonymous variant.
Genome position (GRCh38, 1-based): chr12:32,755,329, C>T on the plus strand (G>A on the coding strand, the complement: YARS2 is on the minus strand). VCF-style: chr12-32755329-C-T. GRCh37 (hg19) VCF-style: chr12-32908263-C-T.
Other names: c.546G>A (NM_001040436.2).
Identifiers: ClinVar variation 2672495 (VCV002672495.23), dbSNP rs1383891711, ClinGen allele CA479387147.

ClinVar aggregate classification (germline): Likely benign. Review status: criteria provided, single submitter (1 of 4 stars). 2 submissions from 2 submitters: Likely benign (1). 1 of the submissions does not count toward it. Last evaluated 2023-11-01.

Conditions:
YARS2-related disorder. Also called: YARS2-related condition.

Allele frequency attached by ClinVar (database versions not stated): TOPMed below 0.00001.

Submissions (2):

CeGaT Center for Human Genetics Tuebingen
Classification: Likely benign. Last evaluated: 2023-11-01. Review status: criteria provided, single submitter. Criteria: CeGaT Center For Human Genetics Tuebingen Variant Classification Criteria Version 2. Collection method: clinical testing. Allele origin: germline. Affected: yes. Observed: 1 variant allele.
Comment: YARS2: PM2:Supporting, BP4, BP7

PreventionGenetics, part of Exact Sciences
Classification: Likely benign for YARS2-related condition. Last evaluated: 2019-02-28. Review status: no assertion criteria provided. Collection method: clinical testing. Allele origin: germline. Not counted in ClinVar's aggregate classification.
Comment: This variant is classified as likely benign based on ACMG/AMP sequence variant interpretation guidelines (Richards et al. 2015 PMID: 25741868, with internal and published modifications).